The following is an entry in ClinVar:

NM_017636.4(TRPM4):c.267+89C>G

Gene: TRPM4 (transient receptor potential cation channel subfamily M member 4; plus strand). Cytogenetic location: 19q13.33.
Variant type: single nucleotide variant.
Coding change: c.267+89C>G on transcript NM_017636.4 (MANE Select); 89 bases into the intron after coding-DNA position 267, C replaced by G.
Molecular consequence: intron variant.
Genome position (GRCh38, 1-based): chr19:49,166,304, C>G. VCF-style: chr19-49166304-C-G. GRCh37 (hg19) VCF-style: chr19-49669561-C-G.
Other names: c.267+89C>G (NM_001195227.2, NM_001321281.2); c.-1106+89C>G (NM_001321282.2); c.-74-1956C>G (NM_001321283.2); c.-237-2249C>G (NM_001321285.2).
Identifiers: ClinVar variation 675419 (VCV000675419.2), dbSNP rs73048855, ClinGen allele CA14645881.

ClinVar aggregate classification (germline): Benign. Review status: criteria provided, multiple submitters, no conflicts (2 of 4 stars). 2 submissions from 2 submitters: Benign (2). Last evaluated 2018-06-16.

Allele frequency attached by ClinVar (database versions not stated): gnomAD 0.08735 and 0.08760; TOPMed 0.08859; 1000 Genomes Project 30x 0.11321; 1000 Genomes Project 0.11502.
gnomAD v4.1: 90,738 of 1,360,156 alleles (6.7%); highest among the groups gnomAD compares: African/African-American, 14%; 3,474 homozygotes.

Submissions (2):

GeneDx
Classification: Benign. Last evaluated: 2018-06-16. Review status: criteria provided, single submitter. Criteria: GeneDx Variant Classification (06012015). Collection method: clinical testing. Allele origin: germline. Affected: yes.
Comment: This variant is considered likely benign or benign based on one or more of the following criteria: it is a conservative change, it occurs at a poorly conserved position in the protein, it is predicted to be benign by multiple in silico algorithms, and/or has population frequency not consistent with disease.

Breakthrough Genomics
Classification: Benign. Review status: criteria provided, single submitter. Criteria: ACMG Guidelines, 2015. Collection method: not provided. Allele origin: germline. Inheritance: Autosomal dominant inheritance. Affected: yes.